The following is an entry in ClinVar:

NM_001555.5(IGSF1):c.542T>C (p.Met181Thr)

Gene: IGSF1 (immunoglobulin superfamily member 1; minus strand). Cytogenetic location: Xq26.1.
Variant type: single nucleotide variant.
Coding change: c.542T>C on transcript NM_001555.5 (MANE Select); coding-DNA position 542, T replaced by C.
Protein change: p.Met181Thr; replaces methionine 181 with threonine.
Molecular consequence: missense variant.
Genome position (GRCh38, 1-based): chrX:131,285,304, A>G on the plus strand (T>C on the coding strand, the complement: IGSF1 is on the minus strand). VCF-style: chrX-131285304-A-G. GRCh37 (hg19) VCF-style: chrX-130419278-A-G.
Other names: c.542T>C, p.Met181Thr (NM_001170961.2, NM_001170963.2, NM_205833.4); c.515T>C, p.Met172Thr (NM_001170962.2); short protein forms M172T, M181T.
Identifiers: ClinVar variation 3366212 (VCV003366212.1).

ClinVar aggregate classification (germline): Uncertain significance (1 of 4 stars; one submission).

Submission:

GeneDx
Classification: Uncertain significance. Last evaluated: 2023-10-23. Review status: criteria provided, single submitter. Criteria: GeneDx Variant Classification Process June 2021. Collection method: clinical testing. Allele origin: germline. Affected: yes.
Comment: Not observed at significant frequency in large population cohorts (gnomAD); In silico analysis supports that this missense variant does not alter protein structure/function; Has not been previously published as pathogenic or benign to our knowledge